The following is an entry in ClinVar:

NM_021625.5(TRPV4):c.1398C>T (p.Phe466=)

Gene: TRPV4 (transient receptor potential cation channel subfamily V member 4; minus strand). Cytogenetic location: 12q24.11.
Variant type: single nucleotide variant.
Coding change: c.1398C>T on transcript NM_021625.5 (MANE Select); coding-DNA position 1398, C replaced by T.
Protein change: p.Phe466=; no amino-acid change (phenylalanine 466 retained).
Molecular consequence: synonymous variant.
Genome position (GRCh38, 1-based): chr12:109,794,422, G>A on the plus strand (C>T on the coding strand, the complement: TRPV4 is on the minus strand). VCF-style: chr12-109794422-G-A. GRCh37 (hg19) VCF-style: chr12-110232227-G-A.
Other names: c.1257C>T, p.Phe419= (NM_001177428.2); c.1296C>T, p.Phe432= (NM_001177431.2); c.1077C>T, p.Phe359= (NM_001177433.2); c.1218C>T, p.Phe406= (NM_147204.3).
Identifiers: ClinVar variation 469036 (VCV000469036.29), dbSNP rs146929022, ClinGen allele CA6780251.

ClinVar aggregate classification (germline): Benign/Likely benign. Review status: criteria provided, multiple submitters, no conflicts (2 of 4 stars). 14 submissions from 9 submitters: Benign (7); Likely benign (6). 1 of the submissions does not count toward it. Last evaluated 2026-09-01.

Conditions:
TRPV4-related disorder. Also called: TRPV4-related disorders; TRPV4-related condition.
Inborn genetic diseases. Identifiers: MedGen C0950123, MeSH D030342.
Scapuloperoneal spinal muscular atrophy (SPSMA). Also called: AMYOTROPHY, NEUROGENIC SCAPULOPERONEAL, NEW ENGLAND TYPE; Scapuloperoneal Form of Spinal Muscular Atrophy; Scapuloperoneal Spinal Muscular Atrophy, TRPV4-Related; Scapuloperoneal spinal muscular atrophy, autosomal dominant. Identifiers: Orphanet 431255, MedGen C0751335, MONDO:0008408, OMIM 181405.
Brachyrachia (short spine dysplasia) (BCYM3). Also called: Brachyolmia Type 3; BRACHYRACHIA; Autosomal dominant brachyolmia; Brachyolmia, TRPV4-Related. Identifiers: Orphanet 93304, MedGen C0432227, MONDO:0007232, OMIM 113500.
Spondylometaphyseal dysplasia, Kozlowski type (SMDK). Also called: Spondylometaphyseal Dysplasia, TRPV4-Related (Kozlowski Type); Dysmorphism arthrogryposis skeletal maturation advanced; Jequier-Kozlowski syndrome; Skeletal dysplasia Jequier-Kozlowski type; SMD Kozlowski type. Identifiers: Orphanet 93314, MedGen C0265280, MONDO:0008477, OMIM 184252.
Metatropic dysplasia (MTD). Also called: Metatropic dysplasia, nonlethal dominant; METATROPIC DWARFISM; Metatropic Dysplasia, TRPV4-Related. Identifiers: Orphanet 2635, MedGen C0265281, MONDO:0007986, OMIM 156530.
Neuronopathy, distal hereditary motor, autosomal dominant 8. Also called: NEURONOPATHY, DISTAL HEREDITARY MOTOR, TYPE VIII; NEUROPATHY, DISTAL HEREDITARY MOTOR, TYPE VIII; Autosomal dominant congenital benign spinal muscular atrophy; SPINAL MUSCULAR ATROPHY, CONGENITAL BENIGN, WITH CONTRACTURES. Identifiers: Orphanet 1216, MedGen C1838492, MONDO:0010839, OMIM 600175.
Charcot-Marie-Tooth disease axonal type 2C (HMSN2C). Also called: CHARCOT-MARIE-TOOTH DISEASE, AXONAL, AUTOSOMAL DOMINANT, TYPE 2C; Charcot-Marie-Tooth Neuropathy Type 2C; Charcot-Marie-Tooth Disease Type 2, TRPV4-Related (CMT2C). Identifiers: Orphanet 99937, MedGen C1853710, MONDO:0011633, OMIM 606071.

Allele frequency attached by ClinVar (database versions not stated): TOPMed 0.00009; gnomAD 0.00010 and 0.00012; gnomAD exomes 0.00014 and 0.00018; ESP Exome Variant Server 0.00015; ExAC 0.00022; 1000 Genomes Project 30x 0.00031; 1000 Genomes Project 0.00040.
gnomAD v4.1: 235 of 1,614,040 alleles (0.015%); highest among the groups gnomAD compares: Middle Eastern, 0.049%; no homozygotes.

Submissions (14):

CeGaT Center for Human Genetics Tuebingen
Classification: Likely benign. Last evaluated: 2026-09-01. Review status: criteria provided, single submitter. Criteria: CeGaT Center For Human Genetics Tuebingen Variant Classification Criteria Version 2. Collection method: clinical testing. Allele origin: germline. Affected: yes. Observed: 3 variant alleles.
Comment: TRPV4: BP4, BP7

Labcorp Genetics (formerly Invitae), Labcorp
Classification: Likely benign for Charcot-Marie-Tooth disease axonal type 2C. Last evaluated: 2026-01-06. Review status: criteria provided, single submitter. Criteria: Invitae Variant Classification Sherloc (09022015). Collection method: clinical testing. Allele origin: germline.

Blueprint Genetics
Classification: Likely benign. Last evaluated: 2024-11-04. Review status: criteria provided, single submitter. Criteria: ACMG Guidelines, 2015. Collection method: clinical testing. Allele origin: germline.

ARUP Laboratories, Molecular Genetics and Genomics, ARUP Laboratories
Classification: Likely benign. Last evaluated: 2020-08-06. Review status: criteria provided, single submitter. Criteria: ARUP Molecular Germline Variant Investigation Process. Collection method: clinical testing. Allele origin: germline.

Ambry Genetics
Classification: Likely benign for Inborn genetic diseases. Last evaluated: 2019-07-11. Review status: criteria provided, single submitter. Criteria: Ambry Variant Classification Scheme 2023. Collection method: clinical testing. Allele origin: germline.

Athena Diagnostics
Classification: Benign. Last evaluated: 2018-12-03. Review status: criteria provided, single submitter. Criteria: Athena Diagnostics Criteria. Collection method: clinical testing. Allele origin: germline.

Illumina Laboratory Services, Illumina
Classification: Benign for Charcot-Marie-Tooth disease axonal type 2C. Last evaluated: 2018-03-12. Review status: criteria provided, single submitter. Criteria: ICSL Variant Classification Criteria 13 December 2019. Collection method: clinical testing. Allele origin: germline.
Comment: This variant was observed in the ICSL laboratory as part of a predisposition screen in an ostensibly healthy population. It had not been previously curated by ICSL or reported in the Human Gene Mutation Database (HGMD: prior to June 1st, 2018), and was therefore a candidate for classification through an automated scoring system. Utilizing variant allele frequency, disease prevalence and penetrance estimates, and inheritance mode, an automated score was calculated to assess if this variant is too frequent to cause the disease. Based on the score and internal cut-off values, a variant classified as benign is not then subjected to further curation. The score for this variant resulted in a classification of benign for this disease.

Illumina Laboratory Services, Illumina
Classification: Benign for Brachyrachia (short spine dysplasia). Last evaluated: 2018-03-12. Review status: criteria provided, single submitter. Criteria: ICSL Variant Classification Criteria 13 December 2019. Collection method: clinical testing. Allele origin: germline.
Comment: the same text as in the submission from Illumina Laboratory Services, Illumina above.

Illumina Laboratory Services, Illumina
Classification: Benign for Scapuloperoneal spinal muscular atrophy. Last evaluated: 2018-03-12. Review status: criteria provided, single submitter. Criteria: ICSL Variant Classification Criteria 13 December 2019. Collection method: clinical testing. Allele origin: germline.
Comment: the same text as in the submission from Illumina Laboratory Services, Illumina above.

Illumina Laboratory Services, Illumina
Classification: Benign for Spondylometaphyseal dysplasia, Kozlowski type. Last evaluated: 2018-03-12. Review status: criteria provided, single submitter. Criteria: ICSL Variant Classification Criteria 13 December 2019. Collection method: clinical testing. Allele origin: germline.
Comment: the same text as in the submission from Illumina Laboratory Services, Illumina above.

Illumina Laboratory Services, Illumina
Classification: Benign for Metatropic dysplasia. Last evaluated: 2018-03-12. Review status: criteria provided, single submitter. Criteria: ICSL Variant Classification Criteria 13 December 2019. Collection method: clinical testing. Allele origin: germline.
Comment: the same text as in the submission from Illumina Laboratory Services, Illumina above.

Illumina Laboratory Services, Illumina
Classification: Benign for Neuronopathy, distal hereditary motor, autosomal dominant 8. Last evaluated: 2018-03-12. Review status: criteria provided, single submitter. Criteria: ICSL Variant Classification Criteria 13 December 2019. Collection method: clinical testing. Allele origin: germline.
Comment: the same text as in the submission from Illumina Laboratory Services, Illumina above.

GeneDx
Classification: Likely benign. Last evaluated: 2017-12-01. Review status: criteria provided, single submitter. Criteria: GeneDx Variant Classification (06012015). Collection method: clinical testing. Allele origin: germline. Affected: yes.
Comment: This variant is considered likely benign or benign based on one or more of the following criteria: it is a conservative change, it occurs at a poorly conserved position in the protein, it is predicted to be benign by multiple in silico algorithms, and/or has population frequency not consistent with disease.

PreventionGenetics, part of Exact Sciences
Classification: Likely benign for TRPV4-related condition. Last evaluated: 2019-07-15. Review status: no assertion criteria provided. Collection method: clinical testing. Allele origin: germline. Not counted in ClinVar's aggregate classification.
Comment: This variant is classified as likely benign based on ACMG/AMP sequence variant interpretation guidelines (Richards et al. 2015 PMID: 25741868, with internal and published modifications).